The following is an entry in ClinVar:

NM_177438.3(DICER1):c.3307_3311del (p.Asp1103fs)

Gene: DICER1 (dicer 1, ribonuclease III; minus strand). Cytogenetic location: 14q32.13.
Variant type: Deletion.
Coding change: c.3307_3311del on transcript NM_177438.3 (MANE Select); coding-DNA positions 3307 to 3311, 5 bases deleted (GACAG; older notation c.3307_3311delGACAG).
Protein change: p.Asp1103fs; shifts the reading frame from aspartic acid 1103.
Molecular consequence: frameshift variant.
Genome position (GRCh38, 1-based): chr14:95,104,085-95,104,089, CTGTC deleted on the plus strand (GACAG on the coding strand, the reverse complement: DICER1 is on the minus strand). VCF-style (leftmost placement, unchanged base first): chr14-95104084-GCTGTC-G. GRCh37 (hg19) VCF-style: chr14-95570421-GCTGTC-G.
Other names: c.3307_3311del, p.Asp1103fs (NM_001195573.1, NM_001271282.3, NM_001291628.2 and 1 more transcripts); short protein forms D1103fs.
Identifiers: ClinVar variation 932980 (VCV000932980.3), dbSNP rs1891190344, ClinGen allele CA1139663633.
Genomic context (GRCh38, chr14:95,104,084, plus strand): 5'-GTGCTTACAGTAATTATCATTTTCAGCTGAAGAGGAGTTAGAAATTGAGATGAAAGATTT[GCTGTC>G]AATAGATTTTTTCCACCCGAAGTCTAAGTTAGGGTATCTGCAAAGACATTTTTATAACTT-3'

ClinVar aggregate classification (germline): Pathogenic (1 of 4 stars; one submission).

Conditions:
DICER1-related tumor predisposition. Also called: DICER1-related pleuropulmonary blastoma cancer predisposition syndrome; DICER1 syndrome. Identifiers: Orphanet 284343, MedGen C3839822, MONDO:0100216.

Submission:

Foulkes Cancer Genetics LDI, Lady Davis Institute for Medical Research
Classification: Pathogenic for Pleuropulmonary blastoma. Last evaluated: 2019-07-01. Review status: criteria provided, single submitter. Criteria: ACMG Guidelines, 2015. Collection method: curation. Allele origin: germline. Affected: yes. Observed: 1 variant allele.
Comment: ACMG criteria met: PVS1, PM2, PP4